The following is an entry in ClinVar:

ClinVar aggregate classification (germline): Conflicting classifications of pathogenicity. Review status: criteria provided, conflicting classifications (1 of 4 stars). 2 submissions from 2 submitters: Likely pathogenic (1); Uncertain significance (1). Last evaluated 2024-08-22.

Conditions:
Timothy syndrome (TS). Also called: LONG QT SYNDROME WITH SYNDACTYLY. Identifiers: Orphanet 65283, MedGen C1832916, MeSH C536962, MONDO:0010979, OMIM 601005.

Submissions (2):

Institute of Human Genetics, University of Leipzig Medical Center
Classification: Likely pathogenic for Timothy syndrome. Last evaluated: 2024-08-22. Review status: criteria provided, single submitter. Criteria: ACMG Guidelines, 2015. Collection method: clinical testing. Allele origin: de novo. Inheritance: Autosomal dominant inheritance. Affected: yes.
Comment: Criteria applied: PS2_MOD,PM2,PP2,PP3

Genomic Medicine Center of Excellence, King Faisal Specialist Hospital and Research Centre
Classification: Uncertain significance for Timothy syndrome. Last evaluated: 2024-04-04. Review status: criteria provided, single submitter. Criteria: ACMG Guidelines, 2015. Collection method: clinical testing. Allele origin: germline.

NM_000719.7(CACNA1C):c.583T>C (p.Trp195Arg)

Gene: CACNA1C (calcium voltage-gated channel subunit alpha1 C; plus strand). Cytogenetic location: 12p13.33.
Variant type: single nucleotide variant.
Coding change: c.583T>C on transcript NM_000719.7 (MANE Select); coding-DNA position 583, T replaced by C.
Protein change: p.Trp195Arg; replaces tryptophan 195 with arginine.
Molecular consequence: missense variant.
Genome position (GRCh38, 1-based): chr12:2,449,081, T>C. VCF-style: chr12-2449081-T-C. GRCh37 (hg19) VCF-style: chr12-2558247-T-C.
Other names: c.583T>C, p.Trp195Arg (NM_001129832.2, NM_001129833.2, NM_001129834.2 and 19 more transcripts); c.583T>C (NM_199460.3); short protein forms W195R.
Identifiers: ClinVar variation 1342903 (VCV001342903.4), dbSNP rs2154562876, ClinGen allele CA383367494.
Genomic context (GRCh38, chr12:2,449,081, plus strand): 5'-TTTTTAAAAGTAATCGCCTATGGACTCCTCTTTCACCCCAATGCCTACCTCCGCAACGGC[T>C]GGAACCTACTAGATTTTATAATTGTGGTTGTGGGGTAAGTATCACTGTCTGTTTCTTTCC-3'
Protein context (NP_000710.5, residues 185-205): FHPNAYLRNG[Trp195Arg]NLLDFIIVVV